The following is an entry in ClinVar:

NM_000399.5(EGR2):c.22G>C (p.Asp8His)

Gene: EGR2 (early growth response 2; minus strand). Cytogenetic location: 10q21.3.
Variant type: single nucleotide variant.
Coding change: c.22G>C on transcript NM_000399.5 (MANE Select); coding-DNA position 22, G replaced by C.
Protein change: p.Asp8His; replaces aspartic acid 8 with histidine.
Molecular consequence: missense variant. On other transcripts: intron variant (2).
Genome position (GRCh38, 1-based): chr10:62,816,008, C>G on the plus strand (G>C on the coding strand, the complement: EGR2 is on the minus strand). VCF-style: chr10-62816008-C-G. GRCh37 (hg19) VCF-style: chr10-64575768-C-G.
Other names: c.22G>C, p.Asp8His (NM_001136177.3, NM_001136178.2); c.-90-39G>C (NM_001321037.2, NM_001136179.3); short protein forms D8H.
Identifiers: ClinVar variation 1478530 (VCV001478530.6), dbSNP rs2132712977, ClinGen allele CA377034586.

ClinVar aggregate classification (germline): Uncertain significance (1 of 4 stars; one submission).

Conditions:
Charcot-Marie-Tooth disease, type I (CMT1). Also called: Charcot-Marie-Tooth disease type 1; Charcot-Marie-Tooth, Type 1. Identifiers: Orphanet 65753, MedGen C0751036, MONDO:0019011.

Submission:

Labcorp Genetics (formerly Invitae), Labcorp
Classification: Uncertain significance for Charcot-Marie-Tooth disease, type I. Last evaluated: 2022-10-13. Review status: criteria provided, single submitter. Criteria: Invitae Variant Classification Sherloc (09022015). Collection method: clinical testing. Allele origin: germline.
Comment: Advanced modeling of protein sequence and biophysical properties (such as structural, functional, and spatial information, amino acid conservation, physicochemical variation, residue mobility, and thermodynamic stability) has been performed at Invitae for this missense variant, however the output from this modeling did not meet the statistical confidence thresholds required to predict the impact of this variant on EGR2 protein function. In summary, the available evidence is currently insufficient to determine the role of this variant in disease. Therefore, it has been classified as a Variant of Uncertain Significance. ClinVar contains an entry for this variant (Variation ID: 1478530). This variant has not been reported in the literature in individuals affected with EGR2-related conditions. This variant is not present in population databases (gnomAD no frequency). This sequence change replaces aspartic acid with histidine at codon 8 of the EGR2 protein (p.Asp8His). The aspartic acid residue is moderately conserved and there is a moderate physicochemical difference between aspartic acid and histidine.